The following is an entry in ClinVar:

ClinVar aggregate classification (germline): Likely benign. Review status: criteria provided, multiple submitters, no conflicts (2 of 4 stars). 2 submissions from 2 submitters: Likely benign (2). Last evaluated 2026-07-01.

gnomAD v4.1: 171 of 1,612,676 alleles (0.011%); highest among the groups gnomAD compares: Admixed American, 0.098%; 2 homozygotes.

Submissions (2):

CeGaT Center for Human Genetics Tuebingen
Classification: Likely benign. Last evaluated: 2026-07-01. Review status: criteria provided, single submitter. Criteria: CeGaT Center For Human Genetics Tuebingen Variant Classification Criteria Version 2. Collection method: clinical testing. Allele origin: germline. Affected: yes. Observed: 1 variant allele.
Comment: WDR81: BP4, BP7

Blueprint Genetics
Classification: Likely benign. Last evaluated: 2024-10-08. Review status: criteria provided, single submitter. Criteria: ACMG Guidelines, 2015. Collection method: clinical testing. Allele origin: germline.

NM_001163809.2(WDR81):c.5739C>T (p.Arg1913=)

Gene: WDR81 (WD repeat domain 81; plus strand). Cytogenetic location: 17p13.3.
Variant type: single nucleotide variant.
Coding change: c.5739C>T on transcript NM_001163809.2 (MANE Select); coding-DNA position 5739, C replaced by T.
Protein change: p.Arg1913=; no amino-acid change (arginine 1913 retained).
Molecular consequence: synonymous variant.
Genome position (GRCh38, 1-based): chr17:1,737,598, C>T. VCF-style: chr17-1737598-C-T. GRCh37 (hg19) VCF-style: chr17-1640892-C-T.
Other names: c.2130C>T, p.Arg710= (NM_001163673.2); c.2058C>T, p.Arg686= (NM_001163811.2); c.2586C>T, p.Arg862= (NM_152348.4).
Identifiers: ClinVar variation 4932641 (VCV004932641.2).